The following is an entry in ClinVar:

ClinVar aggregate classification (germline): Likely pathogenic (1 of 4 stars; one submission).

Conditions:
TBX4-related disorder. Also called: TBX4-related condition; TBX4-related disorders.

Submission:

Rady Children's Institute for Genomic Medicine, Rady Children's Hospital San Diego
Classification: Likely pathogenic for TBX4-Related Disorders. Review status: criteria provided, single submitter. Criteria: ACMG Guidelines, 2015. Collection method: clinical testing. Allele origin: germline. Affected: yes.
Comment: This frameshifting variant in exon 6 of 8 introduces a premature stop codon and is therefore predicted to result in loss of normal protein function through either protein truncation or nonsense-mediated mRNA decay (NMD). This variant has not been previously reported or functionally characterized in the literature to our knowledge. Loss-of-function variation in TBX4 is an established mechanism of disease (PMID: 31151956). The c.748del (p.Arg250GlyfsTer20) variant is absent from the gnomAD population database and thus is presumed to be rare. Based on the available evidence, the c.748del (p.Arg250GlyfsTer20) variant is classified as Likely Pathogenic.

NM_001321120.2(TBX4):c.748del (p.Arg250fs)

Gene: TBX4 (T-box transcription factor 4; plus strand). Cytogenetic location: 17q23.2.
Variant type: Deletion.
Coding change: c.748del on transcript NM_001321120.2 (MANE Select); coding-DNA position 748, one base deleted (C; older notation c.748delC).
Protein change: p.Arg250fs; shifts the reading frame from arginine 250.
Molecular consequence: frameshift variant.
Genome position (GRCh38, 1-based): chr17:61,479,926, C deleted; the last of 2 consecutive C bases (chr17:61,479,925-61,479,926); deleting either gives the same sequence. VCF-style (leftmost placement, unchanged base first): chr17-61479924-TC-T. GRCh37 (hg19) VCF-style: chr17-59557285-TC-T.
Other names: c.748del, p.Arg250fs (NM_018488.3); short protein forms R250fs.
Identifiers: ClinVar variation 2584534 (VCV002584534.1), dbSNP rs2509566796, ClinGen allele CA2582342293.